The following is an entry in ClinVar:

NM_001458.5(FLNC):c.1519_1525del (p.Gly507fs)

Gene: FLNC (filamin C; plus strand). Cytogenetic location: 7q32.1.
Variant type: Deletion.
Coding change: c.1519_1525del on transcript NM_001458.5 (MANE Select); coding-DNA positions 1519 to 1525, 7 bases deleted (GGGGAGC; older notation c.1519_1525delGGGGAGC).
Protein change: p.Gly507fs; shifts the reading frame from glycine 507.
Molecular consequence: frameshift variant.
Genome position (GRCh38, 1-based): chr7:128,840,130-128,840,136, GGGGAGC deleted; deleting any 7 consecutive bases within chr7:128,840,127-128,840,136 gives the same sequence; the c. name uses the placement nearest the transcript's 3' end. VCF-style (leftmost placement, unchanged base first): chr7-128840126-CAGCGGGG-C. GRCh37 (hg19) VCF-style: chr7-128480180-CAGCGGGG-C.
Other names: c.1519_1525delGGGGAGC (NM_001458.4); c.1519_1525del, p.Gly507fs (NM_001127487.2); short protein forms G507fs.
Identifiers: ClinVar variation 478121 (VCV000478121.9), dbSNP rs1554398092, ClinGen allele CA658657716.

ClinVar aggregate classification (germline): Pathogenic (1 of 4 stars; one submission).

Conditions:
Hypertrophic cardiomyopathy 26. Also called: Cardiomyopathy, familial hypertrophic, 26. Identifiers: Orphanet 75249, MedGen C4310749, MONDO:0014883, OMIM 617047.
Distal myopathy with posterior leg and anterior hand involvement. Also called: WILLIAMS DISTAL MYOPATHY. Identifiers: Orphanet 63273, MedGen C3279722, MONDO:0013550, OMIM 614065.
Myofibrillar myopathy 5. Also called: Filaminopathy (type); FILAMINOPATHY, AUTOSOMAL DOMINANT. Identifiers: Orphanet 171445, MedGen C1836050, MONDO:0012289, OMIM 609524.

Submission:

Labcorp Genetics (formerly Invitae), Labcorp
Classification: Pathogenic for Distal myopathy with posterior leg and anterior hand involvement; Myofibrillar myopathy 5; Hypertrophic cardiomyopathy 26. Last evaluated: 2025-08-09. Review status: criteria provided, single submitter. Criteria: Invitae Variant Classification Sherloc (09022015). Collection method: clinical testing. Allele origin: germline.
Comment: This sequence change creates a premature translational stop signal (p.Gly507Serfs*15) in the FLNC gene. It is expected to result in an absent or disrupted protein product. Loss-of-function variants in FLNC are known to be pathogenic (PMID: 27908349). This variant is not present in population databases (gnomAD no frequency). This variant has not been reported in the literature in individuals affected with FLNC-related conditions. ClinVar contains an entry for this variant (Variation ID: 478121). For these reasons, this variant has been classified as Pathogenic.

Literature cited by the submitters: PubMed 27908349.